The following is an entry in ClinVar:

NM_012479.4(YWHAG):c.80T>G (p.Met27Arg)

Gene: YWHAG (tyrosine 3-monooxygenase/tryptophan 5-monooxygenase activation protein gamma; minus strand). Cytogenetic location: 7q11.23.
Variant type: single nucleotide variant.
Coding change: c.80T>G on transcript NM_012479.4 (MANE Select); coding-DNA position 80, T replaced by G.
Protein change: p.Met27Arg; replaces methionine 27 with arginine.
Molecular consequence: missense variant.
Genome position (GRCh38, 1-based): chr7:76,358,729, A>C on the plus strand (T>G on the coding strand, the complement: YWHAG is on the minus strand). VCF-style: chr7-76358729-A-C. GRCh37 (hg19) VCF-style: chr7-75988046-A-C.
Other names: short protein forms M27R.
Identifiers: ClinVar variation 1696737 (VCV001696737.4), dbSNP rs2115666932, ClinGen allele CA367758173.

ClinVar aggregate classification (germline): Uncertain significance. Review status: criteria provided, multiple submitters, no conflicts (2 of 4 stars). 2 submissions from 2 submitters: Uncertain significance (2). Last evaluated 2023-02-24.

Conditions:
Developmental and epileptic encephalopathy, 56. Also called: EPILEPTIC ENCEPHALOPATHY, EARLY INFANTILE, 56. Identifiers: MedGen C4540034, MONDO:0033365, OMIM 617665.

Submissions (2):

Labcorp Genetics (formerly Invitae), Labcorp
Classification: Uncertain significance. Last evaluated: 2023-02-24. Review status: criteria provided, single submitter. Criteria: Invitae Variant Classification Sherloc (09022015). Collection method: clinical testing. Allele origin: germline.
Comment: In summary, the available evidence is currently insufficient to determine the role of this variant in disease. Therefore, it has been classified as a Variant of Uncertain Significance. Advanced modeling of protein sequence and biophysical properties (such as structural, functional, and spatial information, amino acid conservation, physicochemical variation, residue mobility, and thermodynamic stability) performed at Invitae indicates that this missense variant is expected to disrupt YWHAG protein function. ClinVar contains an entry for this variant (Variation ID: 1696737). This sequence change replaces methionine, which is neutral and non-polar, with arginine, which is basic and polar, at codon 27 of the YWHAG protein (p.Met27Arg). This variant has not been reported in the literature in individuals affected with YWHAG-related conditions. This variant is not present in population databases (gnomAD no frequency).

New York Genome Center
Classification: Uncertain significance for Developmental and epileptic encephalopathy, 56. Last evaluated: 2021-07-23. Review status: criteria provided, single submitter. Criteria: NYGC Assertion Criteria 2020. Collection method: clinical testing. Allele origin: inherited. Observed: 1 heterozygote. Study: CSER-NYCKidSeq.
Comment: The inherited c.80T>G (p.Met27Arg) variant identified in the YWHAG gene substitutes a well conserved Methionine for Arginine at amino acid 27/248 (exon 1/2). This variant is absent from gnomAD(v3.1.1) suggesting it is not a common benign variant in the populations represented in that database. In silico algorithms predict this variant to be Damaging (SIFT; score: 0.00) and Benign (REVEL; score:0.578) to the function of the canonical transcript. This variant is absent from ClinVar and to our current knowledge has not been reported in affected individuals in the literature. The p.Met27 residue is not within a mapped domainof YWHAG (UniProtKB:P61981). Given the lack of compelling evidence for its pathogenicity, the inherited c.80T>G (p.Met27Arg) variant identified in theYWHAG gene is reported as a Variant of Uncertain Significance.